The following is an entry in ClinVar:

ClinVar aggregate classification (germline): Pathogenic. Review status: criteria provided, multiple submitters, no conflicts (2 of 4 stars). 5 submissions from 5 submitters: Pathogenic (5). Last evaluated 2024-12-19.

Conditions:
MYO7A-related disorder. Also called: MYO7A-related disorders.
Usher syndrome type 1B (USH1B). Also called: Usher syndrome type IB. Identifiers: MedGen C1848638, MONDO:0700087.
Autosomal dominant nonsyndromic hearing loss 11. Identifiers: Orphanet 90635, MedGen C1832475, MONDO:0011032, OMIM 601317.
Usher syndrome type 1 (USH1). Also called: RETINITIS PIGMENTOSA AND CONGENITAL DEAFNESS. Identifiers: Orphanet 231169, Orphanet 886, MedGen C1568247, MONDO:0010168, OMIM 276900.
Autosomal recessive nonsyndromic hearing loss 2. Also called: DEAFNESS, AUTOSOMAL RECESSIVE 2; NEUROSENSORY NONSYNDROMIC RECESSIVE DEAFNESS 2. Identifiers: Orphanet 90636, MedGen C1838701, MONDO:0010807, OMIM 600060.

Allele frequency attached by ClinVar (database versions not stated): gnomAD 0.00001 and 0.00002; gnomAD exomes 0.00001; TOPMed 0.00002.
gnomAD v4.1: 10 of 1,540,706 alleles (0.00065%); highest among the groups gnomAD compares: African/African-American, 0.0027%; no homozygotes.

Submissions (5):

Natera, Inc.
Classification: Pathogenic for Usher syndrome type 1B. Last evaluated: 2024-12-19. Review status: criteria provided, single submitter. Criteria: Natera Variant Classification Schema (03/2026). Collection method: clinical testing. Allele origin: germline.
Comment: The c.2513G>A variant in MYO7A is a nonsense variant predicted to introduce a stop codon at amino acid 838. This variant is expected to result in nonsense mediated decay, truncation, or a dysfunctional protein product. This variant is rare in the general population with a frequency below the threshold expected for the associated phenotype(s). This variant has been observed in one or more individuals affected with the associated recessive disease, as either homozygous or compound heterozygous with a second variant (PMID: 16400615). Given the available evidence, this variant is classified as Pathogenic.

Blueprint Genetics
Classification: Pathogenic for MYO7A-related disorders. Last evaluated: 2024-07-09. Review status: criteria provided, single submitter. Criteria: ACMG Guidelines, 2015. Collection method: clinical testing. Allele origin: germline. Affected: yes. Observed: 2 variant alleles.

Fulgent Genetics
Classification: Pathogenic for Usher syndrome type 1; Autosomal recessive nonsyndromic hearing loss 2; Autosomal dominant nonsyndromic hearing loss 11. Last evaluated: 2024-02-29. Review status: criteria provided, single submitter. Criteria: ACMG Guidelines, 2015. Collection method: clinical testing. Allele origin: germline.

Labcorp Genetics (formerly Invitae), Labcorp
Classification: Pathogenic. Last evaluated: 2023-09-03. Review status: criteria provided, single submitter. Criteria: Invitae Variant Classification Sherloc (09022015). Collection method: clinical testing. Allele origin: germline.
Comment: This sequence change creates a premature translational stop signal (p.Trp838*) in the MYO7A gene. It is expected to result in an absent or disrupted protein product. Loss-of-function variants in MYO7A are known to be pathogenic (PMID: 8900236, 25404053). This variant is present in population databases (no rsID available, gnomAD 0.01%). This premature translational stop signal has been observed in individual(s) with autosomal recessive deafness and/or Usher syndrome (PMID: 16400615, 23770805). It has also been observed to segregate with disease in related individuals. ClinVar contains an entry for this variant (Variation ID: 1452979). For these reasons, this variant has been classified as Pathogenic.

PreventionGenetics, part of Exact Sciences
Classification: Pathogenic for MYO7A-related condition. Last evaluated: 2023-07-07. Review status: criteria provided, single submitter. Criteria: ACMG Guidelines, 2015. Collection method: clinical testing. Allele origin: germline.
Comment: The MYO7A c.2513G>A variant is predicted to result in premature protein termination (p.Trp838*). This variant was reported to be causative for autosomal recessive hearing loss or Usher syndrome 1 (Gerber et al. 2006. PubMed ID: 16400615; Shahzad et al. 2013. PubMed ID: 23770805). This variant is reported in 0.0094% of alleles in individuals of East Asian descent in gnomAD. Nonsense variants in MYO7A are expected to be pathogenic. This variant is interpreted as pathogenic.

Literature cited by the submitters: PubMed 16400615 (cited by Natera, Inc. and Labcorp Genetics (formerly Invitae), Labcorp); PubMed 8900236 (cited by Labcorp Genetics (formerly Invitae), Labcorp); PubMed 25404053 (cited by Labcorp Genetics (formerly Invitae), Labcorp); PubMed 23770805 (cited by Labcorp Genetics (formerly Invitae), Labcorp).

NM_000260.4(MYO7A):c.2513G>A (p.Trp838Ter)

Gene: MYO7A (myosin VIIA; plus strand). Cytogenetic location: 11q13.5.
Variant type: single nucleotide variant.
Coding change: c.2513G>A on transcript NM_000260.4 (MANE Select); coding-DNA position 2513, G replaced by A.
Protein change: p.Trp838Ter; replaces tryptophan 838 with a stop codon.
Molecular consequence: nonsense.
Genome position (GRCh38, 1-based): chr11:77,179,880, G>A. VCF-style: chr11-77179880-G-A. GRCh37 (hg19) VCF-style: chr11-76890926-G-A.
Other names: c.2513G>A, p.Trp838Ter (NM_001127180.2); c.2480G>A, p.Trp827Ter (NM_001369365.1); c.2513G>A (NM_000260.3); short protein forms W827*, W838*.
Identifiers: ClinVar variation 1452979 (VCV001452979.9), dbSNP rs1334199217, ClinGen allele CA381941862.